The following is an entry in ClinVar:

NM_002693.3(POLG):c.406G>A (p.Asp136Asn)

Genes: POLG (DNA polymerase gamma, catalytic subunit; minus strand), POLGARF (POLG alternative reading frame; minus strand). Cytogenetic location: 15q26.1.
Variant type: single nucleotide variant.
Coding change: c.406G>A on transcript NM_002693.3 (MANE Select); coding-DNA position 406, G replaced by A.
Protein change: p.Asp136Asn; replaces aspartic acid 136 with asparagine.
Molecular consequence: missense variant.
Genome position (GRCh38, 1-based): chr15:89,333,349, C>T on the plus strand (G>A on the coding strand, the complement: POLG is on the minus strand). VCF-style: chr15-89333349-C-T. GRCh37 (hg19) VCF-style: chr15-89876580-C-T.
Other names: c.461G>A, p.Gly154Glu (NM_001430120.1); c.406G>A, p.Asp136Asn (NM_001126131.2); short protein forms D136N, G154E.
Identifiers: ClinVar variation 3636654 (VCV003636654.2).
Genomic context (GRCh38, chr15:89,333,349, plus strand): 5'-AGTTGGCCGCCTCCAGGTAGGGCAGGCTCTGCTTCTGGGCCAGGAGGCGGAAGTGCTGGT[C>T]CAGGTTGTCCCCGTAGAGGGGCGGCAGGCGCAGCTCCACGTCGGGCAAGGGCACGGCTGG-3'
Protein context (NP_002684.1, residues 126-146): RLPPLYGDNL[Asp136Asn]QHFRLLAQKQ

ClinVar aggregate classification (germline): Uncertain significance (1 of 4 stars; one submission).

Conditions:
Progressive sclerosing poliodystrophy (MTDPS4A). Also called: ALPERS PROGRESSIVE INFANTILE POLIODYSTROPHY; NEURONAL DEGENERATION OF CHILDHOOD WITH LIVER DISEASE, PROGRESSIVE; Alpers Syndrome; ALPERS DIFFUSE DEGENERATION OF CEREBRAL GRAY MATTER WITH HEPATIC CIRRHOSIS; Alpers-Huttenlocher Syndrome; Mitochondrial DNA depletion syndrome 4A (Alpers type). Identifiers: Orphanet 726, MedGen C0205710, MONDO:0008758, OMIM 203700.

Submission:

Labcorp Genetics (formerly Invitae), Labcorp
Classification: Uncertain significance for Progressive sclerosing poliodystrophy. Last evaluated: 2024-11-27. Review status: criteria provided, single submitter. Criteria: Invitae Variant Classification Sherloc (09022015). Collection method: clinical testing. Allele origin: germline.
Comment: This sequence change replaces aspartic acid, which is acidic and polar, with asparagine, which is neutral and polar, at codon 136 of the POLG protein (p.Asp136Asn). This variant is not present in population databases (gnomAD no frequency). This variant has not been reported in the literature in individuals affected with POLG-related conditions. Invitae Evidence Modeling of protein sequence and biophysical properties (such as structural, functional, and spatial information, amino acid conservation, physicochemical variation, residue mobility, and thermodynamic stability) indicates that this missense variant is expected to disrupt POLG protein function with a positive predictive value of 95%. In summary, the available evidence is currently insufficient to determine the role of this variant in disease. Therefore, it has been classified as a Variant of Uncertain Significance.